The following is an entry in ClinVar:

NM_002485.5(NBN):c.1457C>T (p.Ser486Phe)

Gene: NBN (nibrin; minus strand). Cytogenetic location: 8q21.3.
Variant type: single nucleotide variant.
Coding change: c.1457C>T on transcript NM_002485.5 (MANE Select); coding-DNA position 1457, C replaced by T.
Protein change: p.Ser486Phe; replaces serine 486 with phenylalanine.
Molecular consequence: missense variant.
Genome position (GRCh38, 1-based): chr8:89,953,632, G>A on the plus strand (C>T on the coding strand, the complement: NBN is on the minus strand). VCF-style: chr8-89953632-G-A. GRCh37 (hg19) VCF-style: chr8-90965860-G-A.
Other names: c.1211C>T, p.Ser404Phe (NM_001024688.3); short protein forms S486F, S404F.
Identifiers: ClinVar variation 630217 (VCV000630217.21), dbSNP rs572568222, ClinGen allele CA4802716.

ClinVar aggregate classification (germline): Uncertain significance. Review status: criteria provided, multiple submitters, no conflicts (2 of 4 stars). 6 submissions from 6 submitters: Uncertain significance (5). 1 of the submissions does not count toward it. Last evaluated 2024-03-20.

Conditions:
Aplastic anemia. Identifiers: Orphanet 182040, Orphanet 88, MedGen C0002874, MONDO:0015909, OMIM 609135, HP:0001915.
Acute lymphoid leukemia (ALL). Also called: Leukemia, acute lymphoblastic, somatic; Lymphoblastic leukemia; Acute lymphoblastic leukemia; Acute lymphocytic leukemia. Identifiers: Orphanet 513, MedGen C0023449, MONDO:0004967, OMIM 613065, HP:0006721.
Microcephaly, normal intelligence and immunodeficiency (NBS). Also called: Immunodeficiency, microcephaly with normal intelligence; SEEMANOVA SYNDROME II; Nijmegen breakage syndrome; Microcephaly with normal intelligence immunodeficiency and lymphoreticular malignancies; Nonsyndromal microcephaly autosomal recessive with normal intelligence; Seemanova syndrome 2. Identifiers: Orphanet 647, MedGen C0398791, MONDO:0009623, OMIM 251260.
Hereditary cancer-predisposing syndrome. Also called: Hereditary Cancer Syndrome; Neoplastic Syndromes, Hereditary; Tumor predisposition; Hereditary neoplastic syndrome. Identifiers: Orphanet 140162, MedGen C0027672, MeSH D009386, MONDO:0015356.

Allele frequency attached by ClinVar (database versions not stated): gnomAD 0.00001; ExAC 0.00004; gnomAD exomes 0.00005; 1000 Genomes Project 30x 0.00016; 1000 Genomes Project 0.00020.
gnomAD v4.1: 19 of 1,612,882 alleles (0.0012%); highest among the groups gnomAD compares: South Asian, 0.019%; no homozygotes.

Submissions (6):

Labcorp Genetics (formerly Invitae), Labcorp
Classification: Uncertain significance for Microcephaly, normal intelligence and immunodeficiency. Last evaluated: 2024-03-20. Review status: criteria provided, single submitter. Criteria: Invitae Variant Classification Sherloc (09022015). Collection method: clinical testing. Allele origin: germline.
Comment: This sequence change replaces serine, which is neutral and polar, with phenylalanine, which is neutral and non-polar, at codon 486 of the NBN protein (p.Ser486Phe). This variant is present in population databases (rs572568222, gnomAD 0.04%). This variant has not been reported in the literature in individuals affected with NBN-related conditions. ClinVar contains an entry for this variant (Variation ID: 630217). An algorithm developed to predict the effect of missense changes on protein structure and function (PolyPhen-2) suggests that this variant is likely to be disruptive. Algorithms developed to predict the effect of sequence changes on RNA splicing suggest that this variant may disrupt the consensus splice site. In summary, the available evidence is currently insufficient to determine the role of this variant in disease. Therefore, it has been classified as a Variant of Uncertain Significance.

Baylor Genetics
Classification: Uncertain significance for Aplastic anemia. Last evaluated: 2023-07-15. Review status: criteria provided, single submitter. Criteria: ACMG Guidelines, 2015. Collection method: clinical testing. Allele origin: unknown.

Genome-Nilou Lab
Classification: Uncertain significance for Microcephaly, normal intelligence and immunodeficiency. Last evaluated: 2021-11-07. Review status: criteria provided, single submitter. Criteria: ACMG Guidelines, 2015. Collection method: clinical testing. Allele origin: germline. Affected: no.

Fulgent Genetics
Classification: Uncertain significance for Microcephaly, normal intelligence and immunodeficiency; Aplastic anemia; Acute lymphoid leukemia. Last evaluated: 2021-10-14. Review status: criteria provided, single submitter. Criteria: ACMG Guidelines, 2015. Collection method: clinical testing. Allele origin: unknown.

Ambry Genetics
Classification: Uncertain significance for Hereditary cancer-predisposing syndrome. Last evaluated: 2019-08-30. Review status: criteria provided, single submitter. Criteria: Ambry Variant Classification Scheme 2023. Collection method: clinical testing. Allele origin: germline.
Comment: The p.S486F variant (also known as c.1457C>T), located in coding exon 11 of the NBN gene, results from a C to T substitution at nucleotide position 1457. The serine at codon 486 is replaced by phenylalanine, an amino acid with highly dissimilar properties. This amino acid position is well conserved in available vertebrate species. In addition, this alteration is predicted to be tolerated by in silico analysis. Since supporting evidence is limited at this time, the clinical significance of this alteration remains unclear.

Natera, Inc.
Classification: Uncertain significance for Nijmegen breakage syndrome. Last evaluated: 2021-04-27. Review status: no assertion criteria provided. Collection method: clinical testing. Allele origin: germline. Not counted in ClinVar's aggregate classification.